The following is an entry in ClinVar:

ClinVar aggregate classification (germline): Likely benign. Review status: criteria provided, multiple submitters, no conflicts (2 of 4 stars). 3 submissions from 3 submitters: Likely benign (3). Last evaluated 2026-03-01.

Conditions:
Malignant hyperthermia, susceptibility to, 1 (MHS1). Also called: Malignant hyperthermia suceptibility 1; Anesthesia related hyperthermia; Malignant hyperpyrexia; Fulminating hyperpyrexia; Pharmacogenic myopathy; RYR1-Related Malignant Hyperthermia Susceptibility. Identifiers: Orphanet 423, MedGen C2930980, MONDO:0007783, OMIM 145600.
RYR1-related disorder. Also called: RYR1-related condition; RYR1-related disorders. Identifiers: MedGen CN239331.

Allele frequency attached by ClinVar (database versions not stated): gnomAD exomes below 0.00001.
gnomAD v4.1: 1 of 1,611,212 alleles (0.000062%); highest among the groups gnomAD compares: Admixed American, 0.0017%; no homozygotes.

Submissions (3):

CeGaT Center for Human Genetics Tuebingen
Classification: Likely benign. Last evaluated: 2026-03-01. Review status: criteria provided, single submitter. Criteria: CeGaT Center For Human Genetics Tuebingen Variant Classification Criteria Version 2. Collection method: clinical testing. Allele origin: germline. Affected: yes. Observed: 1 variant allele.
Comment: RYR1: BP4, BP7

Labcorp Genetics (formerly Invitae), Labcorp
Classification: Likely benign for RYR1-related disorder. Last evaluated: 2024-02-25. Review status: criteria provided, single submitter. Criteria: Invitae Variant Classification Sherloc (09022015). Collection method: clinical testing. Allele origin: germline.

All of Us Research Program, National Institutes of Health
Classification: Likely benign for Malignant hyperthermia, susceptibility to, 1. Last evaluated: 2024-02-05. Review status: criteria provided, single submitter. Criteria: ACMG Guidelines, 2015. Collection method: clinical testing. Allele origin: germline. Inheritance: Autosomal dominant inheritance. Observed: 2 variant alleles, 2 heterozygotes.
Comment: This study involves interpretation of variants in research participants for the purpose of population health screening. Participant phenotype was not available at the time of variant classification. Additional details can be found in publication PMID: 35346344, PMCID: PMC8962531

NM_000540.3(RYR1):c.2889G>T (p.Gly963=)

Gene: RYR1 (ryanodine receptor 1; plus strand). Cytogenetic location: 19q13.2.
Variant type: single nucleotide variant.
Coding change: c.2889G>T on transcript NM_000540.3 (MANE Select); coding-DNA position 2889, G replaced by T.
Protein change: p.Gly963=; no amino-acid change (glycine 963 retained).
Molecular consequence: synonymous variant.
Genome position (GRCh38, 1-based): chr19:38,466,109, G>T. VCF-style: chr19-38466109-G-T. GRCh37 (hg19) VCF-style: chr19-38956749-G-T.
Other names: c.2889G>T, p.Gly963= (NM_001042723.2).
Identifiers: ClinVar variation 2917245 (VCV002917245.8), dbSNP rs902956024, ClinGen allele CA308075826.